The following is an entry in ClinVar:

ClinVar aggregate classification (germline): Uncertain significance. Review status: criteria provided, multiple submitters, no conflicts (2 of 4 stars). 3 submissions from 3 submitters: Uncertain significance (2). 1 of the submissions does not count toward it. Last evaluated 2025-04-04.

Conditions:
Inborn genetic diseases. Identifiers: MedGen C0950123, MeSH D030342.
Retinitis pigmentosa 25 (RP25). Identifiers: Orphanet 791, MedGen C1864446, MONDO:0011272, OMIM 602772.

Allele frequency attached by ClinVar (database versions not stated): gnomAD exomes below 0.00001; TOPMed 0.00001; gnomAD 0.00001.
gnomAD v4.1: 4 of 1,551,756 alleles (0.00026%); highest among the groups gnomAD compares: African/African-American, 0.0041%; no homozygotes.

Submissions (3):

Ambry Genetics
Classification: Uncertain significance for Inborn genetic diseases. Last evaluated: 2025-04-04. Review status: criteria provided, single submitter. Criteria: Ambry Variant Classification Scheme 2023. Collection method: clinical testing. Allele origin: germline.

Labcorp Genetics (formerly Invitae), Labcorp
Classification: Uncertain significance. Last evaluated: 2022-02-10. Review status: criteria provided, single submitter. Criteria: Invitae Variant Classification Sherloc (09022015). Collection method: clinical testing. Allele origin: germline.
Comment: This sequence change replaces glycine, which is neutral and non-polar, with serine, which is neutral and polar, at codon 2894 of the EYS protein (p.Gly2894Ser). This variant is not present in population databases (gnomAD no frequency). This variant has not been reported in the literature in individuals affected with EYS-related conditions. ClinVar contains an entry for this variant (Variation ID: 853652). Algorithms developed to predict the effect of missense changes on protein structure and function (SIFT, PolyPhen-2, Align-GVGD) all suggest that this variant is likely to be tolerated. In summary, the available evidence is currently insufficient to determine the role of this variant in disease. Therefore, it has been classified as a Variant of Uncertain Significance.

Natera, Inc.
Classification: Uncertain significance for Retinitis pigmentosa type 25. Last evaluated: 2020-12-03. Review status: no assertion criteria provided. Collection method: clinical testing. Allele origin: germline. Not counted in ClinVar's aggregate classification.

NM_001142800.2(EYS):c.8680G>A (p.Gly2894Ser)

Genes: EYS (eyes shut homolog; minus strand), PHF3 (PHD finger protein 3; plus strand). Cytogenetic location: 6q12.
Variant type: single nucleotide variant.
Coding change: c.8680G>A on transcript NM_001142800.2 (MANE Select); coding-DNA position 8680, G replaced by A.
Protein change: p.Gly2894Ser; replaces glycine 2894 with serine.
Molecular consequence: missense variant. On other transcripts: 3 prime UTR variant (5).
Genome position (GRCh38, 1-based): chr6:63,721,351, C>T on the plus strand (G>A on the coding strand, the complement: EYS is on the minus strand). VCF-style: chr6-63721351-C-T. GRCh37 (hg19) VCF-style: chr6-64431247-C-T.
Other names: c.*7643C>T (NM_001290259.2, NM_001370348.2, NM_001370349.2 and 2 more transcripts); c.8743G>A, p.Gly2915Ser (NM_001292009.2); short protein forms G2915S, G2894S.
Identifiers: ClinVar variation 853652 (VCV000853652.9), dbSNP rs971882330, ClinGen allele CA140236831.